The following is an entry in ClinVar:

NM_015909.4(NBAS):c.4227G>A (p.Trp1409Ter)

Gene: NBAS (NBAS subunit of NRZ tethering complex; minus strand). Cytogenetic location: 2p24.3.
Variant type: single nucleotide variant.
Coding change: c.4227G>A on transcript NM_015909.4 (MANE Select); coding-DNA position 4227, G replaced by A.
Protein change: p.Trp1409Ter; replaces tryptophan 1409 with a stop codon.
Molecular consequence: nonsense. On other transcripts: non-coding transcript variant (1).
Genome position (GRCh38, 1-based): chr2:15,330,718, C>T on the plus strand (G>A on the coding strand, the complement: NBAS is on the minus strand). VCF-style: chr2-15330718-C-T. GRCh37 (hg19) VCF-style: chr2-15470842-C-T.
Other names: short protein forms W1409*.
Identifiers: ClinVar variation 1999871 (VCV001999871.4), dbSNP rs2528426837, ClinGen allele CA345881740.

ClinVar aggregate classification (germline): Pathogenic (1 of 4 stars; one submission).

Submission:

Labcorp Genetics (formerly Invitae), Labcorp
Classification: Pathogenic. Last evaluated: 2023-03-15. Review status: criteria provided, single submitter. Criteria: Invitae Variant Classification Sherloc (09022015). Collection method: clinical testing. Allele origin: germline.
Comment: For these reasons, this variant has been classified as Pathogenic. ClinVar contains an entry for this variant (Variation ID: 1999871). This variant has not been reported in the literature in individuals affected with NBAS-related conditions. This variant is not present in population databases (gnomAD no frequency). This sequence change creates a premature translational stop signal (p.Trp1409*) in the NBAS gene. It is expected to result in an absent or disrupted protein product. Loss-of-function variants in NBAS are known to be pathogenic (PMID: 26073778, 26541327, 27789416, 28031453).

Literature cited by the submitters: PubMed 26073778; PubMed 26541327; PubMed 27789416; PubMed 28031453.